The following is an entry in ClinVar:

ClinVar aggregate classification (germline): Uncertain significance (1 of 4 stars; one submission).

Conditions:
Immunodeficiency 14 (IMD14A). Also called: ACTIVATED PI3K-DELTA SYNDROME 1; IMMUNODEFICIENCY 14A WITH LYMPHOPROLIFERATION, AUTOSOMAL DOMINANT; Activated PI3K Delta Syndrome Type 1 (APDS1); p110-DELTA-ACTIVATING MUTATION CAUSING SENESCENT T CELLS, LYMPHADENOPATHY, AND IMMUNODEFICIENCY. Identifiers: Orphanet 397596, Orphanet 693661, MedGen C5907821, MONDO:0014222, OMIM 615513.

Allele frequency attached by ClinVar (database versions not stated): ExAC 0.00001; gnomAD exomes 0.00001 and 0.00004; TOPMed 0.00002; gnomAD 0.00003 and 0.00004.
gnomAD v4.1: 64 of 1,613,694 alleles (0.004%); highest among the groups gnomAD compares: Non-Finnish European, 0.0054%; no homozygotes.

Submission:

Labcorp Genetics (formerly Invitae), Labcorp
Classification: Uncertain significance for Activated PI3K-delta syndrome. Last evaluated: 2025-05-18. Review status: criteria provided, single submitter. Criteria: Invitae Variant Classification Sherloc (09022015). Collection method: clinical testing. Allele origin: germline.
Comment: This sequence change replaces lysine, which is basic and polar, with arginine, which is basic and polar, at codon 631 of the PIK3CD protein (p.Lys631Arg). This variant is present in population databases (rs769421641, gnomAD 0.002%). This variant has not been reported in the literature in individuals affected with PIK3CD-related conditions. ClinVar contains an entry for this variant (Variation ID: 953539). Invitae Evidence Modeling of protein sequence and biophysical properties (such as structural, functional, and spatial information, amino acid conservation, physicochemical variation, residue mobility, and thermodynamic stability) indicates that this missense variant is not expected to disrupt PIK3CD protein function with a negative predictive value of 80%. In summary, the available evidence is currently insufficient to determine the role of this variant in disease. Therefore, it has been classified as a Variant of Uncertain Significance.

NM_005026.5(PIK3CD):c.1892A>G (p.Lys631Arg)

Gene: PIK3CD (phosphatidylinositol-4,5-bisphosphate 3-kinase catalytic subunit delta; plus strand). Cytogenetic location: 1p36.22.
Variant type: single nucleotide variant.
Coding change: c.1892A>G on transcript NM_005026.5 (MANE Select); coding-DNA position 1892, A replaced by G.
Protein change: p.Lys631Arg; replaces lysine 631 with arginine.
Molecular consequence: missense variant.
Genome position (GRCh38, 1-based): chr1:9,721,524, A>G. VCF-style: chr1-9721524-A-G. GRCh37 (hg19) VCF-style: chr1-9781582-A-G.
Other names: c.1889A>G, p.Lys630Arg (NM_001350234.2); c.1805A>G, p.Lys602Arg (NM_001350235.1); short protein forms K630R, K602R, K631R.
Identifiers: ClinVar variation 953539 (VCV000953539.10), dbSNP rs769421641, ClinGen allele CA577358.